The following is an entry in ClinVar:

ClinVar aggregate classification (germline): Benign (0 of 4 stars; one submission).

Conditions:
USP15-related disorder. Also called: USP15-related condition.

Allele frequency attached by ClinVar (database versions not stated): 1000 Genomes Project 0.06030; 1000 Genomes Project 30x 0.06043; TOPMed 0.07099; gnomAD 0.07174; ESP Exome Variant Server 0.07362; ExAC 0.07972.
gnomAD v4.1: 121,380 of 1,606,966 alleles (7.6%); highest among the groups gnomAD compares: Middle Eastern, 11%; 5,003 homozygotes.

Submission:

PreventionGenetics, part of Exact Sciences
Classification: Benign for USP15-related condition. Last evaluated: 2019-11-25. Review status: no assertion criteria provided. Collection method: clinical testing. Allele origin: germline.
Comment: This variant is classified as benign based on ACMG/AMP sequence variant interpretation guidelines (Richards et al. 2015 PMID: 25741868, with internal and published modifications).

NM_001252078.2(USP15):c.2301T>C (p.Ala767=)

Gene: USP15 (ubiquitin specific peptidase 15; plus strand). Cytogenetic location: 12q14.1.
Variant type: single nucleotide variant.
Coding change: c.2301T>C on transcript NM_001252078.2 (MANE Select); coding-DNA position 2301, T replaced by C.
Protein change: p.Ala767=; no amino-acid change (alanine 767 retained).
Molecular consequence: synonymous variant. On other transcripts: non-coding transcript variant (5).
Genome position (GRCh38, 1-based): chr12:62,391,883, T>C. VCF-style: chr12-62391883-T-C. GRCh37 (hg19) VCF-style: chr12-62785663-T-C.
Other names: c.1938T>C, p.Ala646= (NM_001351159.2); c.1554T>C, p.Ala518= (NM_001351160.2); c.1302T>C, p.Ala434= (NM_001351163.2, NM_001351164.2, NM_001351165.2 and 1 more transcripts); c.2214T>C, p.Ala738= (NM_006313.3).
Identifiers: ClinVar variation 3059803 (VCV003059803.2), dbSNP rs11174457, ClinGen allele CA6662932.